The following is an entry in ClinVar:

NM_001085487.3(MYSM1):c.1030T>C (p.Cys344Arg)

Gene: MYSM1 (Myb like, SWIRM and MPN domains 1; minus strand). Cytogenetic location: 1p32.1.
Variant type: single nucleotide variant.
Coding change: c.1030T>C on transcript NM_001085487.3 (MANE Select); coding-DNA position 1030, T replaced by C.
Protein change: p.Cys344Arg; replaces cysteine 344 with arginine.
Molecular consequence: missense variant.
Genome position (GRCh38, 1-based): chr1:58,682,014, A>G on the plus strand (T>C on the coding strand, the complement: MYSM1 is on the minus strand). VCF-style: chr1-58682014-A-G. GRCh37 (hg19) VCF-style: chr1-59147686-A-G.
Other names: short protein forms C344R.
Identifiers: ClinVar variation 4761301 (VCV004761301.1).

ClinVar aggregate classification (germline): Uncertain significance (1 of 4 stars; one submission).

gnomAD v4.1: 1 of 1,614,160 alleles (0.000062%); highest among the groups gnomAD compares: Middle Eastern, 0.016%; no homozygotes.

Submission:

Labcorp Genetics (formerly Invitae), Labcorp
Classification: Uncertain significance. Last evaluated: 2025-03-09. Review status: criteria provided, single submitter. Criteria: Invitae Variant Classification Sherloc (09022015). Collection method: clinical testing. Allele origin: germline.
Comment: This sequence change replaces cysteine, which is neutral and slightly polar, with arginine, which is basic and polar, at codon 344 of the MYSM1 protein (p.Cys344Arg). This variant is not present in population databases (gnomAD no frequency). This variant has not been reported in the literature in individuals affected with MYSM1-related conditions. Invitae Evidence Modeling of protein sequence and biophysical properties (such as structural, functional, and spatial information, amino acid conservation, physicochemical variation, residue mobility, and thermodynamic stability) indicates that this missense variant is not expected to disrupt MYSM1 protein function with a negative predictive value of 80%. In summary, the available evidence is currently insufficient to determine the role of this variant in disease. Therefore, it has been classified as a Variant of Uncertain Significance.